The following is an entry in ClinVar:

NM_004415.4(DSP):c.6240C>T (p.Phe2080=)

Gene: DSP (desmoplakin; plus strand). Cytogenetic location: 6p24.3.
Variant type: single nucleotide variant.
Coding change: c.6240C>T on transcript NM_004415.4 (MANE Select); coding-DNA position 6240, C replaced by T.
Protein change: p.Phe2080=; no amino-acid change (phenylalanine 2080 retained).
Molecular consequence: synonymous variant.
Genome position (GRCh38, 1-based): chr6:7,583,502, C>T. VCF-style: chr6-7583502-C-T. GRCh37 (hg19) VCF-style: chr6-7583735-C-T.
Other names: c.4443C>T, p.Phe1481= (NM_001008844.3); c.4911C>T, p.Phe1637= (NM_001319034.2); c.6240C>T (LRG_423t1, NM_004415.3).
Identifiers: ClinVar variation 377811 (VCV000377811.37), dbSNP rs757650857, ClinGen allele CA047138.
Genomic context (GRCh38, chr6:7,583,502, plus strand): 5'-TCCCCATCGGAATGAGAAGCTGACTGTCGACAGTGCCATAGCTCGGGACCTCATTGACTT[C>T]GATGACCGTCAGCAGATATATGCAGCAGAAAAAGCTATCACTGGTTTTGATGATCCATTT-3'
Protein context (NP_004406.2, residues 2070-2090): DSAIARDLID[Phe2080=]DDRQQIYAAE

ClinVar aggregate classification (germline): Likely benign. Review status: criteria provided, multiple submitters, no conflicts (2 of 4 stars). 9 submissions from 9 submitters: Likely benign (9). Last evaluated 2025-11-05.

Conditions:
DSP-related disorder. Also called: DSP-related disorders; DSP-related condition.
Arrhythmogenic right ventricular dysplasia 8 (ARVD8). Also called: Arrhythmogenic Right Ventricular Dysplasia/Cardiomyopathy 8; ARRHYTHMOGENIC RIGHT VENTRICULAR DYSPLASIA, FAMILIAL, 8; ARRHYTHMOGENIC RIGHT VENTRICULAR CARDIOMYOPATHY 8. Identifiers: MedGen C1843896, MONDO:0011831, OMIM 607450.
Arrhythmogenic cardiomyopathy with wooly hair and keratoderma. Also called: PALMOPLANTAR KERATODERMA WITH LEFT VENTRICULAR CARDIOMYOPATHY AND WOOLLY HAIR; Arrhythmogenic cardiomyopathy with woolly hair and keratoderma; Carvajal syndrome; Dilated cardiomyopathy with woolly hair and keratoderma. Identifiers: Orphanet 65282, MedGen C1854063, MONDO:0011581, OMIM 605676.
Cardiomyopathy (CMYO). Also called: Cardiomyopathies. Identifiers: Orphanet 167848, MedGen C0878544, MONDO:0004994, HP:0001638. Inheritance: Various modes of inheritance.
Cardiovascular phenotype. Identifiers: MedGen CN230736.

Allele frequency attached by ClinVar (database versions not stated): ExAC 0.00002; gnomAD exomes 0.00002 and 0.00006; gnomAD 0.00003 and 0.00004; TOPMed 0.00005.
gnomAD v4.1: 90 of 1,613,988 alleles (0.0056%); highest among the groups gnomAD compares: African/African-American, 0.008%; no homozygotes.

Submissions (9):

Labcorp Genetics (formerly Invitae), Labcorp
Classification: Likely benign for Arrhythmogenic cardiomyopathy with wooly hair and keratoderma; Arrhythmogenic right ventricular dysplasia 8. Last evaluated: 2025-11-05. Review status: criteria provided, single submitter. Criteria: Invitae Variant Classification Sherloc (09022015). Collection method: clinical testing. Allele origin: germline.

PreventionGenetics, part of Exact Sciences
Classification: Likely benign for DSP-related condition. Last evaluated: 2025-05-01. Review status: criteria provided, single submitter. Criteria: ACMG Guidelines, 2015. Collection method: clinical testing. Allele origin: germline.
Comment: This variant is classified as likely benign based on ACMG/AMP sequence variant interpretation guidelines (Richards et al. 2015 PMID: 25741868, with internal and published modifications).

Women's Health and Genetics/Laboratory Corporation of America, LabCorp
Classification: Likely benign. Last evaluated: 2024-06-17. Review status: criteria provided, single submitter. Criteria: LabCorp Variant Classification Summary - May 2015. Collection method: clinical testing. Allele origin: germline.

CeGaT Center for Human Genetics Tuebingen
Classification: Likely benign. Last evaluated: 2024-06-01. Review status: criteria provided, single submitter. Criteria: CeGaT Center For Human Genetics Tuebingen Variant Classification Criteria Version 2. Collection method: clinical testing. Allele origin: germline. Affected: yes. Observed: 1 variant allele.
Comment: DSP: BP4, BP7

Blueprint Genetics
Classification: Likely benign. Last evaluated: 2024-03-08. Review status: criteria provided, single submitter. Criteria: ACMG Guidelines, 2015. Collection method: clinical testing. Allele origin: germline.

CHEO Genetics Diagnostic Laboratory, Children's Hospital of Eastern Ontario
Classification: Likely benign for Cardiomyopathy. Last evaluated: 2022-08-25. Review status: criteria provided, single submitter. Criteria: ACMG Guidelines, 2015. Collection method: clinical testing. Allele origin: germline.

Color Diagnostics, LLC DBA Color Health
Classification: Likely benign for Cardiomyopathy. Last evaluated: 2020-10-26. Review status: criteria provided, single submitter. Criteria: ACMG Guidelines, 2015. Collection method: clinical testing. Allele origin: germline.

GeneDx
Classification: Likely benign. Last evaluated: 2017-06-19. Review status: criteria provided, single submitter. Criteria: GeneDx Variant Classification (06012015). Collection method: clinical testing. Allele origin: germline. Affected: yes.
Comment: This variant is considered likely benign or benign based on one or more of the following criteria: it is a conservative change, it occurs at a poorly conserved position in the protein, it is predicted to be benign by multiple in silico algorithms, and/or has population frequency not consistent with disease.

Ambry Genetics
Classification: Likely benign for Cardiovascular phenotype. Last evaluated: 2017-05-24. Review status: criteria provided, single submitter. Criteria: Ambry Variant Classification Scheme 2023. Collection method: clinical testing. Allele origin: germline.